The following is an entry in ClinVar:

NM_003690.5(PRKRA):c.256C>G (p.Leu86Val)

Gene: PRKRA (protein activator of interferon induced protein kinase EIF2AK2; minus strand). Cytogenetic location: 2q31.2.
Variant type: single nucleotide variant.
Coding change: c.256C>G on transcript NM_003690.5 (MANE Select); coding-DNA position 256, C replaced by G.
Protein change: p.Leu86Val; replaces leucine 86 with valine.
Molecular consequence: missense variant. On other transcripts: 5 prime UTR variant (1).
Genome position (GRCh38, 1-based): chr2:178,447,566, G>C on the plus strand (C>G on the coding strand, the complement: PRKRA is on the minus strand). VCF-style: chr2-178447566-G-C. GRCh37 (hg19) VCF-style: chr2-179312293-G-C.
Other names: c.223C>G, p.Leu75Val (NM_001139517.2); c.181C>G, p.Leu61Val (NM_001139518.2); c.-194C>G (NM_001316362.2); short protein forms L86V, L61V, L75V.
Identifiers: ClinVar variation 469611 (VCV000469611.3), dbSNP rs1311237497, ClinGen allele CA349405652.

ClinVar aggregate classification (germline): Uncertain significance (1 of 4 stars; one submission).

Conditions:
Dystonia 16 (DYT16). Also called: DYT-PRKRA. Identifiers: Orphanet 210571, MedGen C2677567, MONDO:0012789, OMIM 612067.

Allele frequency attached by ClinVar (database versions not stated): gnomAD exomes below 0.00001.
gnomAD v4.1: 6 of 1,614,110 alleles (0.00037%); highest among the groups gnomAD compares: Non-Finnish European, 0.00051%; no homozygotes.

Submission:

Labcorp Genetics (formerly Invitae), Labcorp
Classification: Uncertain significance for Dystonia 16. Last evaluated: 2023-09-11. Review status: criteria provided, single submitter. Criteria: Invitae Variant Classification Sherloc (09022015). Collection method: clinical testing. Allele origin: germline.
Comment: ClinVar contains an entry for this variant (Variation ID: 469611). In summary, the available evidence is currently insufficient to determine the role of this variant in disease. Therefore, it has been classified as a Variant of Uncertain Significance. Advanced modeling of protein sequence and biophysical properties (such as structural, functional, and spatial information, amino acid conservation, physicochemical variation, residue mobility, and thermodynamic stability) performed at Invitae indicates that this missense variant is not expected to disrupt PRKRA protein function. This variant has not been reported in the literature in individuals affected with PRKRA-related conditions. This variant is present in population databases (no rsID available, gnomAD 0.0009%). This sequence change replaces leucine, which is neutral and non-polar, with valine, which is neutral and non-polar, at codon 86 of the PRKRA protein (p.Leu86Val).